The following is an entry in ClinVar:

ClinVar aggregate classification (germline): Uncertain significance (1 of 4 stars; one submission).

Submission:

GeneDx
Classification: Uncertain significance. Last evaluated: 2026-04-24. Review status: criteria provided, single submitter. Criteria: GeneDx Variant Classification Process June 2021. Collection method: clinical testing. Allele origin: germline.
Comment: Not observed at significant frequency in large population cohorts (gnomAD); Frameshift variant predicted to result in protein truncation or nonsense mediated decay in a gene or region of a gene for which loss of function is not a well-established mechanism of disease; Has not been previously published as pathogenic or benign to our knowledge

NM_000937.5(POLR2A):c.4084_4085delinsG (p.Ile1362fs)

Genes: POLR2A (RNA polymerase II subunit A; plus strand), LOC126862482 (CDK7 strongly-dependent group 2 enhancer GRCh37_chr17:7414586-7415785; plus strand). Cytogenetic location: 17p13.1.
Variant type: Indel.
Coding change: c.4084_4085delinsG on transcript NM_000937.5 (MANE Select); coding-DNA positions 4084 to 4085, AT replaced by G.
Protein change: p.Ile1362fs; shifts the reading frame from isoleucine 1362.
Molecular consequence: frameshift variant.
Genome position (GRCh38, 1-based): chr17:7,511,571-7,511,572, AT replaced by G. VCF-style: chr17-7511571-AT-G. GRCh37 (hg19) VCF-style: chr17-7414890-AT-G.
Other names: short protein forms I1362fs.
Identifiers: ClinVar variation 5037650 (VCV005037650.1).